The following is an entry in ClinVar:

NM_004656.4(BAP1):c.1548G>C (p.Pro516=)

Gene: BAP1 (BRCA1 associated deubiquitinase 1; minus strand). Cytogenetic location: 3p21.1.
Variant type: single nucleotide variant.
Coding change: c.1548G>C on transcript NM_004656.4 (MANE Select); coding-DNA position 1548, G replaced by C.
Protein change: p.Pro516=; no amino-acid change (proline 516 retained).
Molecular consequence: synonymous variant.
Genome position (GRCh38, 1-based): chr3:52,403,597, C>G on the plus strand (G>C on the coding strand, the complement: BAP1 is on the minus strand). VCF-style: chr3-52403597-C-G. GRCh37 (hg19) VCF-style: chr3-52437613-C-G.
Other names: c.1494G>C, p.Pro498= (NM_001410772.1); c.1548G>C (NM_004656.3).
Identifiers: ClinVar variation 4842546 (VCV004842546.2).
Genomic context (GRCh38, chr3:52,403,597, plus strand): 5'-GTCATCCTCTCCAAAAAGCACCTTGGAGATGTGGGAGGTGACAGGGCTGGAGGGCCGCGT[C>G]GGGTTGGCTGAGCGGATAGGCGAGCGCAGTGGCGAGTTGAAAGCACTGCCGATCTCAGAG-3'
Protein context (NP_004647.1, residues 506-526): PLRSPIRSAN[Pro516=]TRPSSPVTSH

ClinVar aggregate classification (germline): Likely benign. Review status: criteria provided, multiple submitters, no conflicts (2 of 4 stars). 2 submissions from 2 submitters: Likely benign (2). Last evaluated 2026-01-09.

Conditions:
BAP1-related disorder. Also called: BAP1-related condition.
Hereditary cancer-predisposing syndrome. Also called: Hereditary neoplastic syndrome; Tumor predisposition; Hereditary Cancer Syndrome; Neoplastic Syndromes, Hereditary. Identifiers: Orphanet 140162, MedGen C0027672, MeSH D009386, MONDO:0015356.

Submissions (2):

PreventionGenetics, part of Exact Sciences
Classification: Likely benign for BAP1-related condition. Last evaluated: 2026-01-09. Review status: criteria provided, single submitter. Criteria: ACMG Guidelines, 2015. Collection method: clinical testing. Allele origin: germline.
Comment: This variant is classified as likely benign based on ACMG/AMP sequence variant interpretation guidelines (Richards et al. 2015 PMID: 25741868, with internal and published modifications).

Ambry Genetics
Classification: Likely benign for Hereditary cancer-predisposing syndrome. Last evaluated: 2025-12-22. Review status: criteria provided, single submitter. Criteria: Ambry Variant Classification Scheme 2023. Collection method: clinical testing. Allele origin: germline.